The following is an entry in ClinVar:

NM_003839.4(TNFRSF11A):c.1018T>A (p.Phe340Ile)

Gene: TNFRSF11A (TNF receptor superfamily member 11a; plus strand). Cytogenetic location: 18q21.33.
Variant type: single nucleotide variant.
Coding change: c.1018T>A on transcript NM_003839.4 (MANE Select); coding-DNA position 1018, T replaced by A.
Protein change: p.Phe340Ile; replaces phenylalanine 340 with isoleucine.
Molecular consequence: missense variant. On other transcripts: intron variant (3).
Genome position (GRCh38, 1-based): chr18:62,368,935, T>A. VCF-style: chr18-62368935-T-A. GRCh37 (hg19) VCF-style: chr18-60036168-T-A.
Other names: c.976T>A, p.Phe326Ile (NM_001278268.2); c.783+2175T>A (NM_001270949.2); c.730+7142T>A (NM_001270950.2); c.616+8886T>A (NM_001270951.2); short protein forms F340I, F326I.
Identifiers: ClinVar variation 891182 (VCV000891182.47), dbSNP rs764498229, ClinGen allele CA8983907.

ClinVar aggregate classification (germline): Uncertain significance. Review status: criteria provided, multiple submitters, no conflicts (2 of 4 stars). 4 submissions from 3 submitters: Uncertain significance (4). Last evaluated 2024-06-14.

Conditions:
Paget disease of bone 2, early-onset (PDB2). Also called: Paget disease of bone 2. Identifiers: MedGen C4085251, MONDO:0011183, OMIM 602080.
Autosomal recessive osteopetrosis 7. Identifiers: Orphanet 178389, MedGen C2676766, MONDO:0012859, OMIM 612301.

Allele frequency attached by ClinVar (database versions not stated): TOPMed below 0.00001; ExAC 0.00001; gnomAD exomes 0.00001.
gnomAD v4.1: 4 of 1,614,216 alleles (0.00025%); highest among the groups gnomAD compares: South Asian, 0.0011%; no homozygotes.

Submissions (4):

Labcorp Genetics (formerly Invitae), Labcorp
Classification: Uncertain significance. Last evaluated: 2024-06-14. Review status: criteria provided, single submitter. Criteria: Invitae Variant Classification Sherloc (09022015). Collection method: clinical testing. Allele origin: germline.
Comment: This sequence change replaces phenylalanine, which is neutral and non-polar, with isoleucine, which is neutral and non-polar, at codon 340 of the TNFRSF11A protein (p.Phe340Ile). This variant is present in population databases (rs764498229, gnomAD 0.003%). This variant has not been reported in the literature in individuals affected with TNFRSF11A-related conditions. ClinVar contains an entry for this variant (Variation ID: 891182). An algorithm developed to predict the effect of missense changes on protein structure and function (PolyPhen-2) suggests that this variant is likely to be disruptive. In summary, the available evidence is currently insufficient to determine the role of this variant in disease. Therefore, it has been classified as a Variant of Uncertain Significance.

CeGaT Center for Human Genetics Tuebingen
Classification: Uncertain significance. Last evaluated: 2022-04-01. Review status: criteria provided, single submitter. Criteria: CeGaT Center For Human Genetics Tuebingen Variant Classification Criteria Version 2. Collection method: clinical testing. Allele origin: germline. Affected: yes. Observed: 3 variant alleles.
Comment: TNFRSF11A: PM2, BP4

Illumina Laboratory Services, Illumina
Classification: Uncertain significance for Autosomal recessive osteopetrosis 7. Last evaluated: 2018-01-12. Review status: criteria provided, single submitter. Criteria: ICSL Variant Classification Criteria 13 December 2019. Collection method: clinical testing. Allele origin: germline.

Illumina Laboratory Services, Illumina
Classification: Uncertain significance for Paget disease of bone 2, early-onset. Last evaluated: 2018-01-12. Review status: criteria provided, single submitter. Criteria: ICSL Variant Classification Criteria 13 December 2019. Collection method: clinical testing. Allele origin: germline.